The following is an entry in ClinVar:

ClinVar aggregate classification (germline): Uncertain significance. Review status: criteria provided, multiple submitters, no conflicts (2 of 4 stars). 2 submissions from 2 submitters: Uncertain significance (2). Last evaluated 2025-10-16.

Conditions:
Inborn genetic diseases. Identifiers: MedGen C0950123, MeSH D030342.
Intellectual developmental disorder, X-linked, syndromic 14. Also called: Syndromic X-linked intellectual disability 14. Identifiers: Orphanet 776, MedGen C1970822, MONDO:0010398, OMIM 300676.

Allele frequency attached by ClinVar (database versions not stated): gnomAD 0.00001.
gnomAD v4.1: 1 of 1,185,431 alleles (0.000084%); highest among the groups gnomAD compares: African/African-American, 0.0018%; no homozygotes.

Submissions (2):

Labcorp Genetics (formerly Invitae), Labcorp
Classification: Uncertain significance for Intellectual developmental disorder, X-linked, syndromic 14. Last evaluated: 2025-10-16. Review status: criteria provided, single submitter. Criteria: Invitae Variant Classification Sherloc (09022015). Collection method: clinical testing. Allele origin: germline.
Comment: This sequence change replaces arginine, which is basic and polar, with lysine, which is basic and polar, at codon 229 of the UPF3B protein (p.Arg229Lys). The frequency data for this variant in the population databases is considered unreliable, as metrics indicate poor data quality at this position in the gnomAD database. This variant has not been reported in the literature in individuals affected with UPF3B-related conditions. ClinVar contains an entry for this variant (Variation ID: 2547401). Invitae Evidence Modeling of protein sequence and biophysical properties (such as structural, functional, and spatial information, amino acid conservation, physicochemical variation, residue mobility, and thermodynamic stability) indicates that this missense variant is not expected to disrupt UPF3B protein function with a negative predictive value of 80%. In summary, the available evidence is currently insufficient to determine the role of this variant in disease. Therefore, it has been classified as a Variant of Uncertain Significance.

Ambry Genetics
Classification: Uncertain significance for Inborn genetic diseases. Last evaluated: 2025-06-25. Review status: criteria provided, single submitter. Criteria: Ambry Variant Classification Scheme 2023. Collection method: clinical testing. Allele origin: germline.

NM_080632.3(UPF3B):c.686G>A (p.Arg229Lys)

Gene: UPF3B (UPF3B regulator of nonsense mediated mRNA decay; minus strand). Cytogenetic location: Xq24.
Variant type: single nucleotide variant.
Coding change: c.686G>A on transcript NM_080632.3 (MANE Select); coding-DNA position 686, G replaced by A.
Protein change: p.Arg229Lys; replaces arginine 229 with lysine.
Molecular consequence: missense variant.
Genome position (GRCh38, 1-based): chrX:119,841,197, C>T on the plus strand (G>A on the coding strand, the complement: UPF3B is on the minus strand). VCF-style: chrX-119841197-C-T. GRCh37 (hg19) VCF-style: chrX-118975160-C-T.
Other names: c.686G>A, p.Arg229Lys (NM_023010.4); short protein forms R229K.
Identifiers: ClinVar variation 2547401 (VCV002547401.4), dbSNP rs1192920948, ClinGen allele CA414184400.
Genomic context (GRCh38, chrX:119,841,197, plus strand): 5'-TTTTCTATATCTTTCCTTTTTCGTTTCTCTTCTTCTTTCCATTTCCTCCTCTCTTCTTCT[C>T]TTTGTCTTTTTCTTTCTATTTCTCTCCTCCTCCTTTCTTCTCTCTTTTCTTCTCTCATTC-3'
Protein context (NP_542199.1, residues 219-239): RRREIERKRQ[Arg229Lys]EEERRKWKEE